The following is an entry in ClinVar:

ClinVar aggregate classification (germline): Uncertain significance (1 of 4 stars; one submission).

Allele frequency attached by ClinVar (database versions not stated): gnomAD exomes 0.00001 and 0.00002; TOPMed 0.00001; ExAC 0.00002.
gnomAD v4.1: 9 of 1,613,806 alleles (0.00056%); highest among the groups gnomAD compares: Admixed American, 0.0083%; no homozygotes.

Submission:

Labcorp Genetics (formerly Invitae), Labcorp
Classification: Uncertain significance. Last evaluated: 2022-09-01. Review status: criteria provided, single submitter. Criteria: Invitae Variant Classification Sherloc (09022015). Collection method: clinical testing. Allele origin: germline.
Comment: This sequence change replaces threonine, which is neutral and polar, with alanine, which is neutral and non-polar, at codon 275 of the RGS9 protein (p.Thr275Ala). This variant is present in population databases (rs773655290, gnomAD 0.01%). This variant has not been reported in the literature in individuals affected with RGS9-related conditions. ClinVar contains an entry for this variant (Variation ID: 851250). Algorithms developed to predict the effect of missense changes on protein structure and function are either unavailable or do not agree on the potential impact of this missense change (SIFT: "Deleterious"; PolyPhen-2: "Benign"; Align-GVGD: "Class C0"). In summary, the available evidence is currently insufficient to determine the role of this variant in disease. Therefore, it has been classified as a Variant of Uncertain Significance.

NM_003835.4(RGS9):c.823A>G (p.Thr275Ala)

Gene: RGS9 (regulator of G protein signaling 9; plus strand). Cytogenetic location: 17q24.1.
Variant type: single nucleotide variant.
Coding change: c.823A>G on transcript NM_003835.4 (MANE Select); coding-DNA position 823, A replaced by G.
Protein change: p.Thr275Ala; replaces threonine 275 with alanine.
Molecular consequence: missense variant.
Genome position (GRCh38, 1-based): chr17:65,193,619, A>G. VCF-style: chr17-65193619-A-G. GRCh37 (hg19) VCF-style: chr17-63189737-A-G.
Other names: c.814A>G, p.Thr272Ala (NM_001081955.3, NM_001165933.2); short protein forms T272A, T275A.
Identifiers: ClinVar variation 851250 (VCV000851250.5), dbSNP rs773655290, ClinGen allele CA8717841.